The following is an entry in ClinVar:

ClinVar aggregate classification (germline): Uncertain significance. Review status: criteria provided, multiple submitters, no conflicts (2 of 4 stars). 2 submissions from 2 submitters: Uncertain significance (2). Last evaluated 2025-04-30.

Conditions:
Inborn genetic diseases. Identifiers: MedGen C0950123, MeSH D030342.
Myopathy, proximal, and ophthalmoplegia (CMYO6). Also called: CONGENITAL MYOPATHY 6 WITH OPHTHALMOPLEGIA; MYOPATHY WITH CONGENITAL JOINT CONTRACTURES, OPHTHALMOPLEGIA, AND RIMMED VACUOLES; INCLUSION BODY MYOPATHY 3, AUTOSOMAL DOMINANT. Identifiers: Orphanet 363677, Orphanet 79091, MedGen C1854106, MONDO:0011577, OMIM 605637.

Allele frequency attached by ClinVar (database versions not stated): ExAC 0.00002; gnomAD exomes 0.00002 and 0.00003; TOPMed 0.00002; gnomAD 0.00003 and 0.00005.
gnomAD v4.1: 35 of 1,614,010 alleles (0.0022%); highest among the groups gnomAD compares: East Asian, 0.029%; no homozygotes.

Submissions (2):

Ambry Genetics
Classification: Uncertain significance for Inborn genetic diseases. Last evaluated: 2025-04-30. Review status: criteria provided, single submitter. Criteria: Ambry Variant Classification Scheme 2023. Collection method: clinical testing. Allele origin: germline.

Labcorp Genetics (formerly Invitae), Labcorp
Classification: Uncertain significance for Myopathy, proximal, and ophthalmoplegia. Last evaluated: 2023-06-20. Review status: criteria provided, single submitter. Criteria: Invitae Variant Classification Sherloc (09022015). Collection method: clinical testing. Allele origin: germline.
Comment: ClinVar contains an entry for this variant (Variation ID: 858894). In summary, the available evidence is currently insufficient to determine the role of this variant in disease. Therefore, it has been classified as a Variant of Uncertain Significance. Advanced modeling of protein sequence and biophysical properties (such as structural, functional, and spatial information, amino acid conservation, physicochemical variation, residue mobility, and thermodynamic stability) performed at Invitae indicates that this missense variant is not expected to disrupt MYH2 protein function. This variant has not been reported in the literature in individuals affected with MYH2-related conditions. This variant is present in population databases (rs760961929, gnomAD 0.06%). This sequence change replaces threonine, which is neutral and polar, with methionine, which is neutral and non-polar, at codon 1469 of the MYH2 protein (p.Thr1469Met).

NM_017534.6(MYH2):c.4406C>T (p.Thr1469Met)

Genes: MYH2 (myosin heavy chain 2; minus strand), MYHAS (myosin heavy chain gene cluster antisense RNA; plus strand), LOC126862500 (BRD4-independent group 4 enhancer GRCh37_chr17:10427829-10429028; plus strand). Cytogenetic location: 17p13.1.
Variant type: single nucleotide variant.
Coding change: c.4406C>T on transcript NM_017534.6 (MANE Select); coding-DNA position 4406, C replaced by T.
Protein change: p.Thr1469Met; replaces threonine 1469 with methionine.
Molecular consequence: missense variant.
Genome position (GRCh38, 1-based): chr17:10,525,582, G>A on the plus strand (C>T on the coding strand, the complement: MYH2 is on the minus strand). VCF-style: chr17-10525582-G-A. GRCh37 (hg19) VCF-style: chr17-10428899-G-A.
Other names: c.4406C>T, p.Thr1469Met (NM_001100112.2); short protein forms T1469M.
Identifiers: ClinVar variation 858894 (VCV000858894.8), dbSNP rs760961929, ClinGen allele CA8390633.